The following is an entry in ClinVar:

ClinVar aggregate classification (germline): Pathogenic (1 of 4 stars; one submission).

Submission:

GeneDx
Classification: Pathogenic. Last evaluated: 2020-01-27. Review status: criteria provided, single submitter. Criteria: GeneDx Variant Classification Process June 2021. Collection method: clinical testing. Allele origin: germline. Affected: yes.
Comment: Nonsense variant predicted to result in protein truncation or nonsense mediated decay in a gene for which loss-of-function is a known mechanism of disease; Not observed in large population cohorts (Lek et al., 2016); Has not been previously published as pathogenic or benign to our knowledge

NM_000103.4(CYP19A1):c.552T>G (p.Tyr184Ter)

Genes: CYP19A1 (cytochrome P450 family 19 subfamily A member 1; minus strand), MIR4713HG (MIR4713 host gene; plus strand), PIRC66 (piwi-interacting RNA cluster 66; plus strand). Cytogenetic location: 15q21.2.
Variant type: single nucleotide variant.
Coding change: c.552T>G on transcript NM_000103.4 (MANE Select); coding-DNA position 552, T replaced by G.
Protein change: p.Tyr184Ter; replaces tyrosine 184 with a stop codon.
Molecular consequence: nonsense.
Genome position (GRCh38, 1-based): chr15:51,222,425, A>C on the plus strand (T>G on the coding strand, the complement: CYP19A1 is on the minus strand). VCF-style: chr15-51222425-A-C. GRCh37 (hg19) VCF-style: chr15-51514622-A-C.
Other names: c.552T>G, p.Tyr184Ter (NM_001347248.1, NM_001347249.2, NM_001347250.2 and 7 more transcripts); short protein forms Y184*.
Identifiers: ClinVar variation 1194713 (VCV001194713.2), dbSNP rs2141062122, ClinGen allele CA392426401.